The following is an entry in ClinVar:

NM_198253.3(TERT):c.2353C>G (p.Pro785Ala)

Gene: TERT (telomerase reverse transcriptase; minus strand). Cytogenetic location: 5p15.33.
Variant type: single nucleotide variant.
Coding change: c.2353C>G on transcript NM_198253.3 (MANE Select); coding-DNA position 2353, C replaced by G.
Protein change: p.Pro785Ala; replaces proline 785 with alanine.
Molecular consequence: missense variant.
Genome position (GRCh38, 1-based): chr5:1,272,214, G>C on the plus strand (C>G on the coding strand, the complement: TERT is on the minus strand). VCF-style: chr5-1272214-G-C. GRCh37 (hg19) VCF-style: chr5-1272329-G-C.
Other names: c.2353C>G, p.Pro785Ala (NM_001193376.3); short protein forms P785A.
Identifiers: ClinVar variation 471861 (VCV000471861.15), dbSNP rs755822641, ClinGen allele CA3184560.
Genomic context (GRCh38, chr5:1,272,214, plus strand): 5'-CGTGCCCAACCCTGCAGGGCAGTGCCCAGACCTGCTCGATGACGACGGCATCCCTCAGCG[G>C]GCTGGTCTCCTGCAGGTGAGCCACGAACTGTCGCATGTACGGCTGGAGGTCTGTCAAGGT-3'
Protein context (NP_937983.2, residues 775-795): QFVAHLQETS[Pro785Ala]LRDAVVIEQS

ClinVar aggregate classification (germline): Conflicting classifications of pathogenicity. Review status: criteria provided, conflicting classifications (1 of 4 stars). 4 submissions from 4 submitters: Uncertain significance (3); Likely benign (1). Last evaluated 2026-10-01.

Conditions:
Idiopathic Pulmonary Fibrosis. Also called: Idiopathic fibrosing alveolitis, chronic form; idiopathic fibrosing alveolitis. Identifiers: Orphanet 2032, MedGen C1800706, MeSH D054990, MONDO:0800504.
Dyskeratosis congenita, autosomal dominant 2. Identifiers: MedGen C3151443, MONDO:0013521, OMIM 613989.
Dyskeratosis congenita. Identifiers: Orphanet 1775, MedGen C0265965, MONDO:0015780.

Allele frequency attached by ClinVar (database versions not stated): gnomAD 0.00002; TOPMed 0.00002.
gnomAD v4.1: 3 of 1,612,688 alleles (0.00019%); highest among the groups gnomAD compares: African/African-American, 0.004%; no homozygotes.

Submissions (4):

St. Jude Molecular Pathology, St. Jude Children's Research Hospital
Classification: Uncertain significance for Dyskeratosis congenita, autosomal dominant 2. Last evaluated: 2026-10-01. Review status: criteria provided, single submitter. Criteria: St. Jude Assertion Criteria 2020. Collection method: clinical testing. Allele origin: germline.
Comment: The TERT c.2353C>G p.(Pro785Ala) missense change has a maximum subpopulation frequency of 0.007% in gnomAD v2.1.1. The in silico tool REVEL predicts a benign effect on protein function, but to ou r knowledge this prediction has not been confirmed by functional studies. To our knowledge, this variant has not been reported in individuals with dyskeratosis congenita. In summary, the evidence currently available is insufficient to determine the clini cal significance of this variant. It has therefore been classified as of uncertain significance.

Ambry Genetics
Classification: Uncertain significance for Dyskeratosis congenita. Last evaluated: 2025-08-15. Review status: criteria provided, single submitter. Criteria: Ambry Variant Classification Scheme 2023. Collection method: clinical testing. Allele origin: germline.
Comment: The p.P785A variant (also known as c.2353C>G), located in coding exon 7 of the TERT gene, results from a C to G substitution at nucleotide position 2353. The proline at codon 785 is replaced by alanine, an amino acid with highly similar properties. This amino acid position is poorly conserved in available vertebrate species. In addition, this alteration is predicted to be tolerated by in silico analysis. Based on the available evidence, the clinical significance of this variant remains unclear.

Labcorp Genetics (formerly Invitae), Labcorp
Classification: Likely benign for Dyskeratosis congenita, autosomal dominant 2; Idiopathic Pulmonary Fibrosis. Last evaluated: 2024-03-06. Review status: criteria provided, single submitter. Criteria: Invitae Variant Classification Sherloc (09022015). Collection method: clinical testing. Allele origin: germline.

GeneDx
Classification: Uncertain significance. Last evaluated: 2022-06-09. Review status: criteria provided, single submitter. Criteria: GeneDx Variant Classification Process June 2021. Collection method: clinical testing. Allele origin: germline. Affected: yes.
Comment: Not observed at significant frequency in large population cohorts (gnomAD); In silico analysis supports that this missense variant does not alter protein structure/function; Has not been previously published as pathogenic or benign to our knowledge